The following is an entry in ClinVar:

ClinVar aggregate classification (germline): Benign/Likely benign. Review status: criteria provided, multiple submitters, no conflicts (2 of 4 stars). 2 submissions from 2 submitters: Benign (1); Likely benign (1). Last evaluated 2025-09-15.

Conditions:
FOXP1-related disorder. Also called: FOXP1-related condition.

Allele frequency attached by ClinVar (database versions not stated): ExAC 0.00002; gnomAD 0.00004; TOPMed 0.00008.
gnomAD v4.1: 28 of 1,613,776 alleles (0.0017%); highest among the groups gnomAD compares: Admixed American, 0.017%; no homozygotes.

Submissions (2):

Labcorp Genetics (formerly Invitae), Labcorp
Classification: Benign. Last evaluated: 2025-09-15. Review status: criteria provided, single submitter. Criteria: Invitae Variant Classification Sherloc (09022015). Collection method: clinical testing. Allele origin: germline.

PreventionGenetics, part of Exact Sciences
Classification: Likely benign for FOXP1-related condition. Last evaluated: 2025-04-24. Review status: criteria provided, single submitter. Criteria: ACMG Guidelines, 2015. Collection method: clinical testing. Allele origin: germline.
Comment: This variant is classified as likely benign based on ACMG/AMP sequence variant interpretation guidelines (Richards et al. 2015 PMID: 25741868, with internal and published modifications).

NM_001349338.3(FOXP1):c.767C>T (p.Thr256Met)

Gene: FOXP1 (forkhead box P1; minus strand). Cytogenetic location: 3p13.
Variant type: single nucleotide variant.
Coding change: c.767C>T on transcript NM_001349338.3 (MANE Select); coding-DNA position 767, C replaced by T.
Protein change: p.Thr256Met; replaces threonine 256 with methionine.
Molecular consequence: missense variant. On other transcripts: non-coding transcript variant (2).
Genome position (GRCh38, 1-based): chr3:71,041,430, G>A on the plus strand (C>T on the coding strand, the complement: FOXP1 is on the minus strand). VCF-style: chr3-71041430-G-A. GRCh37 (hg19) VCF-style: chr3-71090581-G-A.
Other names: c.467C>T, p.Thr156Met (NM_001349342.3, NM_001370548.1, NM_001244813.3 and 1 more transcripts); c.464C>T, p.Thr155Met (NM_001349343.3, NM_001349344.3, NM_001349337.2); c.767C>T, p.Thr256Met (NM_032682.6, NM_001244808.3, NM_001244810.2 and 4 more transcripts); c.767C>T (NM_032682.5); c.539C>T, p.Thr180Met (NM_001244812.3); c.764C>T, p.Thr255Met (NM_001349341.3); short protein forms T155M, T156M, T180M, T255M, T256M.
Identifiers: ClinVar variation 2428277 (VCV002428277.7), dbSNP rs768474615, ClinGen allele CA2491181.
Genomic context (GRCh38, chr3:71,041,430, plus strand): 5'-GAGGCATGTGGGTTCATTATTAAGGAGGTCTTGGAAGGTGCAGAGGAGGAGACACATGTC[G>A]TGGTCAGATCCAAACTGCTGTGATTGTTGCCTGTGGTTTCTTCTGCAGTATGAGCACTTG-3'
Protein context (NP_001336267.1, residues 246-266): GNNHSSLDLT[Thr256Met]TCVSSSAPSK